The following is an entry in ClinVar:

NM_052867.4(NALCN):c.5083A>G (p.Thr1695Ala)

Genes: NALCN (sodium leak channel, non-selective; minus strand), NALCN-AS1 (NALCN antisense RNA 1; plus strand). Cytogenetic location: 13q32.3.
Variant type: single nucleotide variant.
Coding change: c.5083A>G on transcript NM_052867.4 (MANE Select); coding-DNA position 5083, A replaced by G.
Protein change: p.Thr1695Ala; replaces threonine 1695 with alanine.
Molecular consequence: missense variant. On other transcripts: non-coding transcript variant (1).
Genome position (GRCh38, 1-based): chr13:101,055,429, T>C on the plus strand (A>G on the coding strand, the complement: NALCN is on the minus strand). VCF-style: chr13-101055429-T-C. GRCh37 (hg19) VCF-style: chr13-101707781-T-C.
Other names: c.5170A>G, p.Thr1724Ala (NM_001350748.2); c.5083A>G, p.Thr1695Ala (NM_001350749.2); c.4996A>G, p.Thr1666Ala (NM_001350750.2, NM_001350751.2); short protein forms T1666A, T1695A, T1724A.
Identifiers: ClinVar variation 3252798 (VCV003252798.1), dbSNP rs890448197.

ClinVar aggregate classification (germline): Uncertain significance (1 of 4 stars; one submission).

Allele frequency attached by ClinVar (database versions not stated): TOPMed below 0.00001; gnomAD 0.00001.
gnomAD v4.1: 3 of 1,614,060 alleles (0.00019%); highest among the groups gnomAD compares: Non-Finnish European, 0.00025%; no homozygotes.

Submission:

GeneDx
Classification: Uncertain significance. Last evaluated: 2023-06-13. Review status: criteria provided, single submitter. Criteria: GeneDx Variant Classification Process June 2021. Collection method: clinical testing. Allele origin: germline. Affected: yes.
Comment: Not observed at significant frequency in large population cohorts (gnomAD); In silico analysis supports that this missense variant does not alter protein structure/function; Has not been previously published as pathogenic or benign to our knowledge